The following is an entry in ClinVar:

ClinVar aggregate classification (germline): Pathogenic (1 of 4 stars; one submission).

Conditions:
Supravalvar aortic stenosis (SVAS). Also called: Supravalvar aortic stenosis, Eisenberg type. Identifiers: Orphanet 3193, MedGen C0003499, MONDO:0008504, OMIM 185500, HP:0004381.

Submission:

Labcorp Genetics (formerly Invitae), Labcorp
Classification: Pathogenic for Supravalvar aortic stenosis. Last evaluated: 2023-11-02. Review status: criteria provided, single submitter. Criteria: Invitae Variant Classification Sherloc (09022015). Collection method: clinical testing. Allele origin: germline.
Comment: This sequence change replaces lysine, which is basic and polar, with arginine, which is basic and polar, at codon 315 of the ELN protein (p.Lys315Arg). This variant is not present in population databases (gnomAD no frequency). This missense change has been observed in individual(s) with a ELN-related disease (Invitae). In at least one individual the variant was observed to be de novo. ClinVar contains an entry for this variant (Variation ID: 524218). Advanced modeling of protein sequence and biophysical properties (such as structural, functional, and spatial information, amino acid conservation, physicochemical variation, residue mobility, and thermodynamic stability) performed at Invitae indicates that this missense variant is not expected to disrupt ELN protein function with a negative predictive value of 80%. Algorithms developed to predict the effect of sequence changes on RNA splicing suggest that this variant may disrupt the consensus splice site. For these reasons, this variant has been classified as Pathogenic.

NM_000501.4(ELN):c.944A>G (p.Lys315Arg)

Gene: ELN (elastin; plus strand). Cytogenetic location: 7q11.23.
Variant type: single nucleotide variant.
Coding change: c.944A>G on transcript NM_000501.4 (MANE Select); coding-DNA position 944, A replaced by G.
Protein change: p.Lys315Arg; replaces lysine 315 with arginine.
Molecular consequence: missense variant.
Genome position (GRCh38, 1-based): chr7:74,051,978, A>G. VCF-style: chr7-74051978-A-G. GRCh37 (hg19) VCF-style: chr7-73466308-A-G.
Other names: c.914A>G, p.Lys305Arg (NM_001081752.3, NM_001278917.2); c.959A>G, p.Lys320Arg (NM_001081753.3, NM_001081754.3); c.944A>G, p.Lys315Arg (NM_001081755.3, NM_001278912.2, NM_001278915.2 and 1 more transcripts); c.836A>G, p.Lys279Arg (NM_001278913.2); c.929A>G, p.Lys310Arg (NM_001278914.2); c.902A>G, p.Lys301Arg (NM_001278916.2); c.812A>G, p.Lys271Arg (NM_001278918.2); short protein forms K315R, K301R, K320R, K279R, K310R, K271R, K305R.
Identifiers: ClinVar variation 524218 (VCV000524218.7), dbSNP rs1554676454, ClinGen allele CA367871485.